The following is an entry in ClinVar:

NM_003673.4(TCAP):c.326C>A (p.Thr109Asn)

Gene: TCAP (titin-cap; plus strand). Cytogenetic location: 17q12.
Variant type: single nucleotide variant.
Coding change: c.326C>A on transcript NM_003673.4 (MANE Select); coding-DNA position 326, C replaced by A.
Protein change: p.Thr109Asn; replaces threonine 109 with asparagine.
Molecular consequence: missense variant.
Genome position (GRCh38, 1-based): chr17:39,665,931, C>A. VCF-style: chr17-39665931-C-A. GRCh37 (hg19) VCF-style: chr17-37822184-C-A.
Other names: short protein forms T109N.
Identifiers: ClinVar variation 2436992 (VCV002436992.6), dbSNP rs2543739705, ClinGen allele CA399305147.
Genomic context (GRCh38, chr17:39,665,931, plus strand): 5'-TGCCGCTGCCCATCTTCACCCCTGCCAAGATGGGCGCCACCAAGGAGGAGCGTGAGGACA[C>A]CCCCATCCAGCTTCAGGAGCTGCTGGCGCTGGAGACAGCCCTGGGTGGCCAGTGTGTGGA-3'
Protein context (NP_003664.1, residues 99-119): MGATKEERED[Thr109Asn]PIQLQELLAL

ClinVar aggregate classification (germline): Uncertain significance. Review status: criteria provided, multiple submitters, no conflicts (2 of 4 stars). 3 submissions from 3 submitters: Uncertain significance (3). Last evaluated 2024-07-06.

Conditions:
Cardiovascular phenotype. Identifiers: MedGen CN230736.
Hypertrophic cardiomyopathy 25 (CMH25). Also called: CARDIOMYOPATHY, FAMILIAL HYPERTROPHIC, 25. Identifiers: MedGen C4225408, MONDO:0011843, OMIM 607487.
Primary familial hypertrophic cardiomyopathy (HCM). Identifiers: Orphanet 99739, MedGen C0949658, MeSH D024741, MONDO:0024573. Inheritance: Various modes of inheritance.

Submissions (3):

Ambry Genetics
Classification: Uncertain significance for Cardiovascular phenotype. Last evaluated: 2024-07-06. Review status: criteria provided, single submitter. Criteria: Ambry Variant Classification Scheme 2023. Collection method: clinical testing. Allele origin: germline.

Labcorp Genetics (formerly Invitae), Labcorp
Classification: Uncertain significance for Hypertrophic cardiomyopathy 25; Primary familial hypertrophic cardiomyopathy. Last evaluated: 2024-03-26. Review status: criteria provided, single submitter. Criteria: Invitae Variant Classification Sherloc (09022015). Collection method: clinical testing. Allele origin: germline.
Comment: This sequence change replaces threonine, which is neutral and polar, with asparagine, which is neutral and polar, at codon 109 of the TCAP protein (p.Thr109Asn). This variant is not present in population databases (gnomAD no frequency). This variant has not been reported in the literature in individuals affected with TCAP-related conditions. ClinVar contains an entry for this variant (Variation ID: 2436992). An algorithm developed to predict the effect of missense changes on protein structure and function (PolyPhen-2) suggests that this variant is likely to be disruptive. In summary, the available evidence is currently insufficient to determine the role of this variant in disease. Therefore, it has been classified as a Variant of Uncertain Significance.

Revvity Omics, Revvity
Classification: Uncertain significance. Last evaluated: 2019-02-28. Review status: criteria provided, single submitter. Criteria: ACMG Guidelines, 2015. Collection method: clinical testing. Allele origin: germline.